The following is an entry in ClinVar:

ClinVar aggregate classification (germline): Uncertain significance (1 of 4 stars; one submission).

Conditions:
Ichthyosis linearis circumflexa. Identifiers: MedGen C0265962, MONDO:0043106, HP:0025810.

Allele frequency attached by ClinVar (database versions not stated): ExAC 0.00001; gnomAD 0.00001 and 0.00002; gnomAD exomes 0.00001; TOPMed 0.00002.
gnomAD v4.1: 14 of 1,611,778 alleles (0.00087%); highest among the groups gnomAD compares: East Asian, 0.0022%; no homozygotes.

Submission:

Labcorp Genetics (formerly Invitae), Labcorp
Classification: Uncertain significance for Ichthyosis linearis circumflexa. Last evaluated: 2022-05-13. Review status: criteria provided, single submitter. Criteria: Invitae Variant Classification Sherloc (09022015). Collection method: clinical testing. Allele origin: germline.
Comment: This variant has not been reported in the literature in individuals affected with SPINK5-related conditions. In summary, the available evidence is currently insufficient to determine the role of this variant in disease. Therefore, it has been classified as a Variant of Uncertain Significance. Algorithms developed to predict the effect of missense changes on protein structure and function are either unavailable or do not agree on the potential impact of this missense change (SIFT: "Deleterious"; PolyPhen-2: "Benign"; Align-GVGD: "Class C0"). ClinVar contains an entry for this variant (Variation ID: 846270). This variant is present in population databases (rs761010013, gnomAD 0.006%). This sequence change replaces glutamic acid, which is acidic and polar, with lysine, which is basic and polar, at codon 71 of the SPINK5 protein (p.Glu71Lys).

NM_006846.4(SPINK5):c.211G>A (p.Glu71Lys)

Gene: SPINK5 (serine peptidase inhibitor Kazal type 5; plus strand). Cytogenetic location: 5q32.
Variant type: single nucleotide variant.
Coding change: c.211G>A on transcript NM_006846.4 (MANE Select); coding-DNA position 211, G replaced by A.
Protein change: p.Glu71Lys; replaces glutamic acid 71 with lysine.
Molecular consequence: missense variant.
Genome position (GRCh38, 1-based): chr5:148,072,149, G>A. VCF-style: chr5-148072149-G-A. GRCh37 (hg19) VCF-style: chr5-147451712-G-A.
Other names: c.211G>A, p.Glu71Lys (NM_001127698.2, NM_001127699.2); short protein forms E71K.
Identifiers: ClinVar variation 846270 (VCV000846270.9), dbSNP rs761010013, ClinGen allele CA3495147.